The following is an entry in ClinVar:

ClinVar aggregate classification (germline): Uncertain significance. Review status: criteria provided, multiple submitters, no conflicts (2 of 4 stars). 2 submissions from 2 submitters: Uncertain significance (2). Last evaluated 2025-03-18.

Conditions:
Autosomal dominant limb-girdle muscular dystrophy type 1D (DNAJB6) (LGMDD1). Also called: Autosomal dominant limb-girdle muscular dystrophy type 1D; Muscular dystrophy, limb-girdle, autosomal dominant 1; MUSCULAR DYSTROPHY, LIMB-GIRDLE, TYPE 1D; MUSCULAR DYSTROPHY, AUTOSOMAL DOMINANT, WITH RIMMED VACUOLES. Identifiers: Orphanet 34516, MedGen C4721885, MONDO:0021018, OMIM 603511.

Allele frequency attached by ClinVar (database versions not stated): ExAC 0.00001; gnomAD 0.00001; gnomAD exomes 0.00001; 1000 Genomes Project 30x 0.00016; 1000 Genomes Project 0.00020.
gnomAD v4.1: 9 of 1,614,100 alleles (0.00056%); highest among the groups gnomAD compares: Admixed American, 0.0083%; no homozygotes.

Submissions (2):

Labcorp Genetics (formerly Invitae), Labcorp
Classification: Uncertain significance for Autosomal dominant limb-girdle muscular dystrophy type 1D (DNAJB6). Last evaluated: 2025-03-18. Review status: criteria provided, single submitter. Criteria: Invitae Variant Classification Sherloc (09022015). Collection method: clinical testing. Allele origin: germline.
Comment: This sequence change replaces tyrosine, which is neutral and polar, with cysteine, which is neutral and slightly polar, at codon 68 of the DNAJB6 protein (p.Tyr68Cys). This variant is present in population databases (rs531186856, gnomAD 0.006%). This variant has not been reported in the literature in individuals affected with DNAJB6-related conditions. ClinVar contains an entry for this variant (Variation ID: 804750). Invitae Evidence Modeling of protein sequence and biophysical properties (such as structural, functional, and spatial information, amino acid conservation, physicochemical variation, residue mobility, and thermodynamic stability) indicates that this missense variant is expected to disrupt DNAJB6 protein function with a positive predictive value of 80%. In summary, the available evidence is currently insufficient to determine the role of this variant in disease. Therefore, it has been classified as a Variant of Uncertain Significance.

Athena Diagnostics
Classification: Uncertain significance. Last evaluated: 2018-09-26. Review status: criteria provided, single submitter. Criteria: Athena Diagnostics Criteria. Collection method: clinical testing. Allele origin: germline.

NM_058246.4(DNAJB6):c.203A>G (p.Tyr68Cys)

Gene: DNAJB6 (DnaJ heat shock protein family (Hsp40) member B6; plus strand). Cytogenetic location: 7q36.3.
Variant type: single nucleotide variant.
Coding change: c.203A>G on transcript NM_058246.4 (MANE Select); coding-DNA position 203, A replaced by G.
Protein change: p.Tyr68Cys; replaces tyrosine 68 with cysteine.
Molecular consequence: missense variant.
Genome position (GRCh38, 1-based): chr7:157,366,529, A>G. VCF-style: chr7-157366529-A-G. GRCh37 (hg19) VCF-style: chr7-157159223-A-G.
Other names: c.203A>G, p.Tyr68Cys (NM_001363676.1, NM_005494.3); short protein forms Y68C.
Identifiers: ClinVar variation 804750 (VCV000804750.11), dbSNP rs531186856, ClinGen allele CA4590406.
Genomic context (GRCh38, chr7:157,366,529, plus strand): 5'-CTTGGCCTTACCGACTTTTCTTTCAATTTTTAGCTAAGAAACGGGACATCTATGACAAAT[A>G]TGGCAAAGAAGGATTAAATGGTGGAGGAGGAGGTAAGTACGTGAGTTTTTTCTTTGAAGA-3'
Protein context (NP_490647.1, residues 58-78): DAKKRDIYDK[Tyr68Cys]GKEGLNGGGG